The following is an entry in ClinVar:

ClinVar aggregate classification (germline): Uncertain significance (1 of 4 stars; one submission).

Conditions:
Inborn genetic diseases. Identifiers: MedGen C0950123, MeSH D030342.

Allele frequency attached by ClinVar (database versions not stated): ExAC 0.00004; gnomAD exomes 0.00005; ESP Exome Variant Server 0.00008; 1000 Genomes Project 30x 0.00016; 1000 Genomes Project 0.00020; TOPMed 0.00022.
gnomAD v4.1: 92 of 1,611,750 alleles (0.0057%); highest among the groups gnomAD compares: Admixed American, 0.025%; no homozygotes.

Submission:

Ambry Genetics
Classification: Uncertain significance for Inborn genetic diseases. Last evaluated: 2021-01-20. Review status: criteria provided, single submitter. Criteria: Ambry Variant Classification Scheme 2023. Collection method: clinical testing. Allele origin: germline.
Comment: The c.904C>T (p.R302C) alteration is located in exon 7 (coding exon 7) of the TRMT1 gene. This alteration results from a C to T substitution at nucleotide position 904, causing the arginine (R) at amino acid position 302 to be replaced by a cysteine (C). The p.R302C alteration is predicted to be tolerated by in silico analysis. Based on insufficient or conflicting evidence, the clinical significance of this alteration remains unclear.

NM_001136035.4(TRMT1):c.904C>T (p.Arg302Cys)

Gene: TRMT1 (tRNA methyltransferase 1; minus strand). Cytogenetic location: 19p13.13.
Variant type: single nucleotide variant.
Coding change: c.904C>T on transcript NM_001136035.4 (MANE Select); coding-DNA position 904, C replaced by T.
Protein change: p.Arg302Cys; replaces arginine 302 with cysteine.
Molecular consequence: missense variant.
Genome position (GRCh38, 1-based): chr19:13,110,273, G>A on the plus strand (C>T on the coding strand, the complement: TRMT1 is on the minus strand). VCF-style: chr19-13110273-G-A. GRCh37 (hg19) VCF-style: chr19-13221087-G-A.
Other names: c.904C>T, p.Arg302Cys (NM_001142554.3, NM_001351760.2, NM_017722.5); c.796C>T, p.Arg266Cys (NM_001351761.2); c.121C>T, p.Arg41Cys (NM_001351762.2); short protein forms R302C, R266C, R41C.
Identifiers: ClinVar variation 2391859 (VCV002391859.2), dbSNP rs148038210, ClinGen allele CA9237882.